The following is an entry in ClinVar:

NM_014994.3(MAPKBP1):c.4273C>T (p.Arg1425Cys)

Gene: MAPKBP1 (mitogen-activated protein kinase binding protein 1; plus strand). Cytogenetic location: 15q15.1.
Variant type: single nucleotide variant.
Coding change: c.4273C>T on transcript NM_014994.3 (MANE Select); coding-DNA position 4273, C replaced by T.
Protein change: p.Arg1425Cys; replaces arginine 1425 with cysteine.
Molecular consequence: missense variant. On other transcripts: non-coding transcript variant (2).
Genome position (GRCh38, 1-based): chr15:41,824,543, C>T. VCF-style: chr15-41824543-C-T. GRCh37 (hg19) VCF-style: chr15-42116741-C-T.
Other names: c.4291C>T, p.Arg1431Cys (NM_001128608.2); c.3442C>T, p.Arg1148Cys (NM_001265611.2); c.4291C>T (NM_001128608.1); short protein forms R1148C, R1431C, R1425C.
Identifiers: ClinVar variation 2170994 (VCV002170994.6), dbSNP rs142827185, ClinGen allele CA7498790.
Genomic context (GRCh38, chr15:41,824,543, plus strand): 5'-GAGCCAGCGGTGAGCCTGGAGCAGTGTGAGCAGCTGGTGGCAGAGCTCCGCGGCAGCGTG[C>T]GCCAGGCAGTGCGGCTCTACCACTCGGTGGGTGTTAGGTGCCCCCCGGCAGGAAGGCGGG-3'
Protein context (NP_055809.2, residues 1415-1435): QLVAELRGSV[Arg1425Cys]QAVRLYHSVA

ClinVar aggregate classification (germline): Uncertain significance. Review status: criteria provided, multiple submitters, no conflicts (2 of 4 stars). 2 submissions from 2 submitters: Uncertain significance (2). Last evaluated 2025-08-17.

Conditions:
Inborn genetic diseases. Identifiers: MedGen C0950123, MeSH D030342.

Allele frequency attached by ClinVar (database versions not stated): gnomAD exomes 0.00007; ESP Exome Variant Server 0.00008; TOPMed 0.00009; gnomAD 0.00011; 1000 Genomes Project 0.00020; ExAC 0.00024; 1000 Genomes Project 30x 0.00031.
gnomAD v4.1: 124 of 1,601,808 alleles (0.0077%); highest among the groups gnomAD compares: South Asian, 0.031%; 1 homozygote.

Submissions (2):

Labcorp Genetics (formerly Invitae), Labcorp
Classification: Uncertain significance. Last evaluated: 2025-08-17. Review status: criteria provided, single submitter. Criteria: Invitae Variant Classification Sherloc (09022015). Collection method: clinical testing. Allele origin: germline.
Comment: This sequence change replaces arginine, which is basic and polar, with cysteine, which is neutral and slightly polar, at codon 1431 of the MAPKBP1 protein (p.Arg1431Cys). This variant is present in population databases (rs142827185, gnomAD 0.04%). This variant has not been reported in the literature in individuals affected with MAPKBP1-related conditions. ClinVar contains an entry for this variant (Variation ID: 2170994). An algorithm developed to predict the effect of missense changes on protein structure and function (PolyPhen-2) suggests that this variant is likely to be tolerated. In summary, the available evidence is currently insufficient to determine the role of this variant in disease. Therefore, it has been classified as a Variant of Uncertain Significance.

Ambry Genetics
Classification: Uncertain significance for Inborn genetic diseases. Last evaluated: 2024-09-30. Review status: criteria provided, single submitter. Criteria: Ambry Variant Classification Scheme 2023. Collection method: clinical testing. Allele origin: germline.